The following is an entry in ClinVar:

ClinVar aggregate classification (germline): Uncertain significance (1 of 4 stars; one submission).

Submission:

GeneDx
Classification: Uncertain significance. Last evaluated: 2024-02-16. Review status: criteria provided, single submitter. Criteria: GeneDx Variant Classification Process June 2021. Collection method: clinical testing. Allele origin: germline. Affected: yes.
Comment: Not observed at significant frequency in large population cohorts (gnomAD); In silico analysis supports that this missense variant has a deleterious effect on protein structure/function; Has not been previously published as pathogenic or benign to our knowledge

NM_170606.3(KMT2C):c.10501T>C (p.Phe3501Leu)

Gene: KMT2C (lysine methyltransferase 2C; minus strand). Cytogenetic location: 7q36.1.
Variant type: single nucleotide variant.
Coding change: c.10501T>C on transcript NM_170606.3 (MANE Select); coding-DNA position 10501, T replaced by C.
Protein change: p.Phe3501Leu; replaces phenylalanine 3501 with leucine.
Molecular consequence: missense variant.
Genome position (GRCh38, 1-based): chr7:152,163,076, A>G on the plus strand (T>C on the coding strand, the complement: KMT2C is on the minus strand). VCF-style: chr7-152163076-A-G. GRCh37 (hg19) VCF-style: chr7-151860161-A-G.
Other names: short protein forms F3501L.
Identifiers: ClinVar variation 3369363 (VCV003369363.1).